The following is an entry in ClinVar:

NM_000264.5(PTCH1):c.3783C>G (p.Asn1261Lys)

Gene: PTCH1 (patched 1; minus strand). Cytogenetic location: 9q22.32.
Variant type: single nucleotide variant.
Coding change: c.3783C>G on transcript NM_000264.5 (MANE Select); coding-DNA position 3783, C replaced by G.
Protein change: p.Asn1261Lys; replaces asparagine 1261 with lysine.
Molecular consequence: missense variant. On other transcripts: non-coding transcript variant (1).
Genome position (GRCh38, 1-based): chr9:95,449,090, G>C on the plus strand (C>G on the coding strand, the complement: PTCH1 is on the minus strand). VCF-style: chr9-95449090-G-C. GRCh37 (hg19) VCF-style: chr9-98211372-G-C.
Other names: c.3585C>G, p.Asn1195Lys (NM_001083602.3); c.3780C>G, p.Asn1260Lys (NM_001083603.3); c.3330C>G, p.Asn1110Lys (NM_001083604.3, NM_001083605.3, NM_001083606.3 and 1 more transcripts); c.3627C>G, p.Asn1209Lys (NM_001354918.2); short protein forms N1209K, N1110K, N1261K, N1195K, N1260K.
Identifiers: ClinVar variation 1734865 (VCV001734865.2), dbSNP rs2538012425, ClinGen allele CA374110943.

ClinVar aggregate classification (germline): Uncertain significance (1 of 4 stars; one submission).

Conditions:
Hereditary cancer-predisposing syndrome. Also called: Neoplastic Syndromes, Hereditary; Tumor predisposition; Hereditary Cancer Syndrome; Hereditary neoplastic syndrome. Identifiers: Orphanet 140162, MedGen C0027672, MeSH D009386, MONDO:0015356.

Allele frequency attached by ClinVar (database versions not stated): gnomAD exomes below 0.00001.
gnomAD v4.1: 1 of 1,614,240 alleles (0.000062%); highest among the groups gnomAD compares: South Asian, 0.0011%; no homozygotes.

Submission:

Ambry Genetics
Classification: Uncertain significance for Hereditary cancer-predisposing syndrome. Last evaluated: 2020-06-26. Review status: criteria provided, single submitter. Criteria: Ambry Variant Classification Scheme 2023. Collection method: clinical testing. Allele origin: germline.
Comment: The p.N1261K variant (also known as c.3783C>G), located in coding exon 22 of the PTCH1 gene, results from a C to G substitution at nucleotide position 3783. The asparagine at codon 1261 is replaced by lysine, an amino acid with similar properties. This amino acid position is well conserved in available vertebrate species. In addition, the in silico prediction for this alteration is inconclusive. Since supporting evidence is limited at this time, the clinical significance of this alteration remains unclear.